The following is an entry in ClinVar:

NM_144997.7(FLCN):c.1206C>G (p.Ile402Met)

Gene: FLCN (folliculin; minus strand). Cytogenetic location: 17p11.2.
Variant type: single nucleotide variant.
Coding change: c.1206C>G on transcript NM_144997.7 (MANE Select); coding-DNA position 1206, C replaced by G.
Protein change: p.Ile402Met; replaces isoleucine 402 with methionine.
Molecular consequence: missense variant.
Genome position (GRCh38, 1-based): chr17:17,216,474, G>C on the plus strand (C>G on the coding strand, the complement: FLCN is on the minus strand). VCF-style: chr17-17216474-G-C. GRCh37 (hg19) VCF-style: chr17-17119788-G-C.
Other names: c.1260C>G, p.Ile420Met (NM_001353229.2); c.1206C>G, p.Ile402Met (NM_001353230.2, NM_001353231.2); short protein forms I402M, I420M.
Identifiers: ClinVar variation 4807955 (VCV004807955.1).

ClinVar aggregate classification (germline): Uncertain significance (1 of 4 stars; one submission).

Conditions:
Birt-Hogg-Dube syndrome. Also called: Birt Hogg Dubé syndrome. Identifiers: Orphanet 122, MedGen C0346010, MONDO:0800444.

Submission:

Labcorp Genetics (formerly Invitae), Labcorp
Classification: Uncertain significance for Birt-Hogg-Dube syndrome. Last evaluated: 2025-10-03. Review status: criteria provided, single submitter. Criteria: Invitae Variant Classification Sherloc (09022015). Collection method: clinical testing. Allele origin: germline.
Comment: This sequence change replaces isoleucine, which is neutral and non-polar, with methionine, which is neutral and non-polar, at codon 402 of the FLCN protein (p.Ile402Met). This variant is not present in population databases (gnomAD no frequency). This variant has not been reported in the literature in individuals affected with FLCN-related conditions. Invitae Evidence Modeling of protein sequence and biophysical properties (such as structural, functional, and spatial information, amino acid conservation, physicochemical variation, residue mobility, and thermodynamic stability) indicates that this missense variant is not expected to disrupt FLCN protein function with a negative predictive value of 80%. In summary, the available evidence is currently insufficient to determine the role of this variant in disease. Therefore, it has been classified as a Variant of Uncertain Significance.